The following is an entry in ClinVar:

NM_002335.4(LRP5):c.685C>T (p.Arg229Trp)

Gene: LRP5 (LDL receptor related protein 5; plus strand). Cytogenetic location: 11q13.2.
Variant type: single nucleotide variant.
Coding change: c.685C>T on transcript NM_002335.4 (MANE Select); coding-DNA position 685, C replaced by T.
Protein change: p.Arg229Trp; replaces arginine 229 with tryptophan.
Molecular consequence: missense variant. On other transcripts: 5 prime UTR variant (1).
Genome position (GRCh38, 1-based): chr11:68,357,846, C>T. VCF-style: chr11-68357846-C-T. GRCh37 (hg19) VCF-style: chr11-68125314-C-T.
Other names: c.-1081C>T (NM_001291902.2); short protein forms R229W.
Identifiers: ClinVar variation 191023 (VCV000191023.9), dbSNP rs766589610, ClinGen allele CA235841.

ClinVar aggregate classification (germline): Conflicting classifications of pathogenicity. Review status: criteria provided, conflicting classifications (1 of 4 stars). 4 submissions from 4 submitters: Pathogenic (1); Likely pathogenic (2); Uncertain significance (1). Last evaluated 2025-12-14.

Conditions:
Exudative vitreoretinopathy 4 (EVR4). Identifiers: Orphanet 891, MedGen C1866176, MONDO:0011151, OMIM 601813.
Bone mineral density quantitative trait locus 1 (BMND1). Identifiers: MedGen C1866079, OMIM 601884.
Polycystic liver disease 4 with or without kidney cysts. Identifiers: MedGen C4693479, MONDO:0044327, OMIM 617875.
Autosomal dominant osteopetrosis 1 (OPTA1). Also called: OSTEOPETROSIS, AUTOSOMAL DOMINANT, TYPE I. Identifiers: Orphanet 2783, MedGen C1843330, MONDO:0011877, OMIM 607634.
Osteoporosis with pseudoglioma (OPPG). Also called: osteoporosis-pseudoglioma syndrome. Identifiers: Orphanet 2788, MedGen C0432252, MONDO:0009820, OMIM 259770.
Worth disease. Also called: OSTEOSCLEROSIS, AUTOSOMAL DOMINANT; ENDOSTEAL HYPEROSTOSIS, AUTOSOMAL DOMINANT; Autosomal dominant osteosclerosis, Worth type. Identifiers: Orphanet 2790, MedGen C0432273, MONDO:0007764, OMIM 144750.

Allele frequency attached by ClinVar (database versions not stated): gnomAD exomes 0.00005; gnomAD 0.00006; ExAC 0.00007; TOPMed 0.00008.
gnomAD v4.1: 32 of 1,610,412 alleles (0.002%); highest among the groups gnomAD compares: Admixed American, 0.015%; no homozygotes.

Submissions (4):

Labcorp Genetics (formerly Invitae), Labcorp
Classification: Pathogenic. Last evaluated: 2025-12-14. Review status: criteria provided, single submitter. Criteria: Invitae Variant Classification Sherloc (09022015). Collection method: clinical testing. Allele origin: germline.
Comment: This sequence change replaces arginine, which is basic and polar, with tryptophan, which is neutral and slightly polar, at codon 229 of the LRP5 protein (p.Arg229Trp). This variant is present in population databases (rs766589610, gnomAD 0.02%). This missense change has been observed in individual(s) with autosomal recessive exudative retinopathy (PMID: 26355662, 27124789, 35277167; internal data). In at least one individual the data is consistent with being in trans (on the opposite chromosome) from a pathogenic variant. ClinVar contains an entry for this variant (Variation ID: 191023). An algorithm developed to predict the effect of missense changes on protein structure and function (PolyPhen-2) suggests that this variant is likely to be disruptive. For these reasons, this variant has been classified as Pathogenic.

Fulgent Genetics
Classification: Likely pathogenic for Worth disease; Osteoporosis with pseudoglioma; Exudative vitreoretinopathy 4; Bone mineral density quantitative trait locus 1; Autosomal dominant osteopetrosis 1; Polycystic liver disease 4 with or without kidney cysts. Last evaluated: 2024-05-21. Review status: criteria provided, single submitter. Criteria: ACMG Guidelines, 2015. Collection method: clinical testing. Allele origin: germline.

Blueprint Genetics
Classification: Uncertain significance. Last evaluated: 2023-05-05. Review status: criteria provided, single submitter. Criteria: ACMG Guidelines, 2015. Collection method: clinical testing. Allele origin: germline.

Genomic Medicine Center of Excellence, King Faisal Specialist Hospital and Research Centre
Classification: Likely pathogenic. Review status: criteria provided, single submitter. Criteria: ACMG Guidelines, 2015. Collection method: research. Allele origin: germline. Affected: yes.

Literature cited by the submitters: PubMed 26355662 (cited by Labcorp Genetics (formerly Invitae), Labcorp); PubMed 27124789 (cited by Labcorp Genetics (formerly Invitae), Labcorp); PubMed 35277167 (cited by Labcorp Genetics (formerly Invitae), Labcorp).